The following is an entry in ClinVar:

NM_000486.6(AQP2):c.707_720dup (p.Glu241delinsCysTer)

Genes: AQP2 (aquaporin 2; plus strand), AQP5-AS1 (AQP5 and AQP2 antisense RNA 2; minus strand). Cytogenetic location: 12q13.12.
Variant type: Duplication.
Coding change: c.707_720dup on transcript NM_000486.6 (MANE Select); coding-DNA positions 707 to 720, 14 bases duplicated (TGCTGAAGGGCCTG).
Protein change: p.Glu241delinsCysTer.
Molecular consequence: nonsense.
Genome position (GRCh38, 1-based): chr12:49,955,499-49,955,512, TGCTGAAGGGCCTG duplicated; duplicating any 14 consecutive bases within chr12:49,955,498-49,955,512 gives the same sequence; the c. name uses the placement nearest the transcript's 3' end. VCF-style (leftmost placement, unchanged base first): chr12-49955497-A-AGTGCTGAAGGGCCT. GRCh37 (hg19) VCF-style: chr12-50349280-A-AGTGCTGAAGGGCCT.
Identifiers: ClinVar variation 2160877 (VCV002160877.6), dbSNP rs752623874, ClinGen allele CA6559346.
Genomic context (GRCh38, chr12:49,955,497, plus strand): 5'-CTCCCTCCTCTACAACTACGTGCTGTTTCCGCCAGCCAAGAGCCTGTCGGAGCGCCTGGC[A>AGTGCTGAAGGGCCT]GTGCTGAAGGGCCTGGAGCCGGACACCGATTGGGAGGAGCGCGAGGTGCGACGGCGGCAG-3'

ClinVar aggregate classification (germline): Pathogenic/Likely pathogenic. Review status: criteria provided, multiple submitters, no conflicts (2 of 4 stars). 3 submissions from 3 submitters: Pathogenic (1); Likely pathogenic (2). Last evaluated 2025-11-03.

Conditions:
Nephrogenic diabetes insipidus. Identifiers: Orphanet 223, MedGen C0162283, MONDO:0016383, HP:0009806.
Diabetes insipidus, nephrogenic, autosomal (NDI2). Also called: Nephrogenic Diabetes Insipidus, Type II; Diabetes insipidus, nephrogenic, 2, autosomal. Identifiers: Orphanet 223, MedGen C1563706, MONDO:0007451, OMIM 125800.

Submissions (3):

Natera, Inc.
Classification: Likely pathogenic for Nephrogenic diabetes insipidus. Last evaluated: 2025-11-03. Review status: criteria provided, single submitter. Criteria: Natera Variant Classification Schema (03/2026). Collection method: clinical testing. Allele origin: germline.
Comment: The c.707_720dup variant in AQP2 is a frameshift variant predicted to shift the reading frame beginning at codon 241 and leads to a stop codon 2 codons downstream. This variant is expected to result in nonsense mediated decay, truncation, or a dysfunctional protein product. This variant is rare in the general population with a frequency below the threshold expected for the associated phenotype(s). Given the available evidence, this variant is classified as Likely Pathogenic.

Fulgent Genetics
Classification: Likely pathogenic for Diabetes insipidus, nephrogenic, autosomal. Last evaluated: 2024-06-20. Review status: criteria provided, single submitter. Criteria: ACMG Guidelines, 2015. Collection method: clinical testing. Allele origin: germline.

Labcorp Genetics (formerly Invitae), Labcorp
Classification: Pathogenic. Last evaluated: 2023-10-07. Review status: criteria provided, single submitter. Criteria: Invitae Variant Classification Sherloc (09022015). Collection method: clinical testing. Allele origin: germline.
Comment: This sequence change creates a premature translational stop signal (p.Glu241Cysfs*2) in the AQP2 gene. While this is not anticipated to result in nonsense mediated decay, it is expected to disrupt the last 31 amino acid(s) of the AQP2 protein. This variant is present in population databases (rs752623874, gnomAD 0.01%). This premature translational stop signal has been observed in individual(s) with clinical features of autosomal recessive AQP2-related conditions (PMID: 34732400). ClinVar contains an entry for this variant (Variation ID: 2160877). This variant disrupts a region of the AQP2 protein in which other variant(s) (p.Pro262Leu) have been determined to be pathogenic (PMID: 9550615, 15509592, 18431594). This suggests that this is a clinically significant region of the protein, and that variants that disrupt it are likely to be disease-causing. For these reasons, this variant has been classified as Pathogenic.

Literature cited by the submitters: PubMed 34732400 (cited by Labcorp Genetics (formerly Invitae), Labcorp); PubMed 9550615 (cited by Labcorp Genetics (formerly Invitae), Labcorp); PubMed 15509592 (cited by Labcorp Genetics (formerly Invitae), Labcorp); PubMed 18431594 (cited by Labcorp Genetics (formerly Invitae), Labcorp).